The following is an entry in ClinVar:

NM_000702.4(ATP1A2):c.1634T>C (p.Leu545Pro)

Gene: ATP1A2 (ATPase Na+/K+ transporting subunit alpha 2; plus strand). Cytogenetic location: 1q23.2.
Variant type: single nucleotide variant.
Coding change: c.1634T>C on transcript NM_000702.4 (MANE Select); coding-DNA position 1634, T replaced by C.
Protein change: p.Leu545Pro; replaces leucine 545 with proline.
Molecular consequence: missense variant.
Genome position (GRCh38, 1-based): chr1:160,130,274, T>C. VCF-style: chr1-160130274-T-C. GRCh37 (hg19) VCF-style: chr1-160100064-T-C.
Other names: short protein forms L545P.
Identifiers: ClinVar variation 2989010 (VCV002989010.3), dbSNP rs2524872715, ClinGen allele CA343243728.

ClinVar aggregate classification (germline): Uncertain significance (1 of 4 stars; one submission).

Conditions:
Familial hemiplegic migraine. Identifiers: MedGen C0338484, MONDO:0000700.

Allele frequency attached by ClinVar (database versions not stated): gnomAD exomes below 0.00001.
gnomAD v4.1: 2 of 1,614,162 alleles (0.00012%); highest among the groups gnomAD compares: South Asian, 0.0011%; no homozygotes.

Submission:

Labcorp Genetics (formerly Invitae), Labcorp
Classification: Uncertain significance for Familial hemiplegic migraine. Last evaluated: 2023-07-14. Review status: criteria provided, single submitter. Criteria: Invitae Variant Classification Sherloc (09022015). Collection method: clinical testing. Allele origin: germline.
Comment: In summary, the available evidence is currently insufficient to determine the role of this variant in disease. Therefore, it has been classified as a Variant of Uncertain Significance. Advanced modeling of protein sequence and biophysical properties (such as structural, functional, and spatial information, amino acid conservation, physicochemical variation, residue mobility, and thermodynamic stability) performed at Invitae indicates that this missense variant is expected to disrupt ATP1A2 protein function. This variant has not been reported in the literature in individuals affected with ATP1A2-related conditions. This variant is not present in population databases (gnomAD no frequency). This sequence change replaces leucine, which is neutral and non-polar, with proline, which is neutral and non-polar, at codon 545 of the ATP1A2 protein (p.Leu545Pro).